The following is an entry in ClinVar:

ClinVar aggregate classification (germline): Uncertain significance (1 of 4 stars; one submission).

gnomAD v4.1: 22 of 1,210,566 alleles (0.0018%); highest among the groups gnomAD compares: Middle Eastern, 0.023%; no homozygotes.

Submission:

Ambry Genetics
Classification: Uncertain significance. Last evaluated: 2026-08-18. Review status: criteria provided, single submitter. Criteria: Ambry Variant Classification Scheme 2023. Collection method: clinical testing. Allele origin: germline.
Comment: The c.1006G>A (p.A336T) alteration is located in exon 8 (coding exon 8) of the ARHGAP4 gene. This alteration results from a G to A substitution at nucleotide position 1006, causing the alanine (A) at amino acid position 336 to be replaced by a threonine (T). Based on data from gnomAD, the A allele has an overall frequency of 0.002% (5/204961) total alleles studied. The highest observed frequency was 0.019% (1/5325) of Other alleles. Based on insufficient or conflicting evidence, the clinical significance of this alteration remains unclear.

NM_001666.5(ARHGAP4):c.886G>A (p.Ala296Thr)

Gene: ARHGAP4 (Rho GTPase activating protein 4; minus strand). Cytogenetic location: Xq28.
Variant type: single nucleotide variant.
Coding change: c.886G>A on transcript NM_001666.5 (MANE Select); coding-DNA position 886, G replaced by A.
Protein change: p.Ala296Thr; replaces alanine 296 with threonine.
Molecular consequence: missense variant.
Genome position (GRCh38, 1-based): chrX:153,918,978, C>T on the plus strand (G>A on the coding strand, the complement: ARHGAP4 is on the minus strand). VCF-style: chrX-153918978-C-T. GRCh37 (hg19) VCF-style: chrX-153184432-C-T.
Other names: c.1006G>A, p.Ala336Thr (NM_001164741.2); short protein forms A296T, A336T.
Identifiers: ClinVar variation 5029220 (VCV005029220.1).
Genomic context (GRCh38, chrX:153,918,978, plus strand): 5'-CTGGAGGATCCAGGGCCTCCACAGCTTCTTCCAGGCTGCCCAGGCCCTGCACTTGGGAGG[C>T]TTGGGTGCGGCTCTCAGCGGCCGTGTAGCTCCGGAGCACCTGCCCCAGGGCCAGGTGGAA-3'
Protein context (NP_001657.3, residues 286-306): SYTAAESRTQ[Ala296Thr]SQVQGLGSLE